The following is an entry in ClinVar:

NM_002253.4(KDR):c.2705T>A (p.Leu902Gln)

Gene: KDR (kinase insert domain receptor; minus strand). Cytogenetic location: 4q12.
Variant type: single nucleotide variant.
Coding change: c.2705T>A on transcript NM_002253.4 (MANE Select); coding-DNA position 2705, T replaced by A.
Protein change: p.Leu902Gln; replaces leucine 902 with glutamine.
Molecular consequence: missense variant.
Genome position (GRCh38, 1-based): chr4:55,096,252, A>T on the plus strand (T>A on the coding strand, the complement: KDR is on the minus strand). VCF-style: chr4-55096252-A-T. GRCh37 (hg19) VCF-style: chr4-55962419-A-T.
Other names: KP761783; short protein forms L902Q.
Identifiers: ClinVar variation 204328 (VCV000204328.3), dbSNP rs794729678, ClinGen allele CA251253.

ClinVar aggregate classification (germline): Uncertain significance (0 of 4 stars; one submission).

Conditions:
Carcinoma of colon (CRC). Also called: Colonic carcinoma; Colon carcinoma. Identifiers: MedGen C0699790, MONDO:0002032.

Submission:

Immunobiology Lab; University of Kashmir
Classification: Uncertain significance for Carcinoma of colon. Last evaluated: 2015-01-24. Review status: no assertion criteria provided. Collection method: case-control. Allele origin: somatic. Affected: yes. Study: Mutational Hotspot profiling of Tyrosine Kinase domain of VEGF receptors in Human colorectal tumors.
Comment: The variation(s) were confirmed by double pass sequencing of PCR products amplified from genomic DNA of colonic lesions fron colorectal patients